The following is an entry in ClinVar:

ClinVar aggregate classification (germline): Uncertain significance (1 of 4 stars; one submission).

Conditions:
ARHGAP31-related disorder. Also called: ARHGAP31-related condition.

gnomAD v4.1: 16 of 1,613,992 alleles (0.00099%); highest among the groups gnomAD compares: Non-Finnish European, 0.0014%; no homozygotes.

Submission:

PreventionGenetics, part of Exact Sciences
Classification: Uncertain significance for ARHGAP31-related condition. Last evaluated: 2024-11-19. Review status: criteria provided, single submitter. Criteria: ACMG Guidelines, 2015. Collection method: clinical testing. Allele origin: germline.
Comment: The ARHGAP31 c.3787C>T variant is predicted to result in the amino acid substitution p.Pro1263Ser. To our knowledge, this variant has not been reported in the literature. This variant is reported in 0.00089% of alleles in individuals of European (Non-Finnish) descent in gnomAD. At this time, the clinical significance of this variant is uncertain due to the absence of conclusive functional and genetic evidence.

NM_020754.4(ARHGAP31):c.3787C>T (p.Pro1263Ser)

Gene: ARHGAP31 (Rho GTPase activating protein 31; plus strand). Cytogenetic location: 3q13.33.
Variant type: single nucleotide variant.
Coding change: c.3787C>T on transcript NM_020754.4 (MANE Select); coding-DNA position 3787, C replaced by T.
Protein change: p.Pro1263Ser; replaces proline 1263 with serine.
Molecular consequence: missense variant.
Genome position (GRCh38, 1-based): chr3:119,415,716, C>T. VCF-style: chr3-119415716-C-T. GRCh37 (hg19) VCF-style: chr3-119134563-C-T.
Other names: short protein forms P1263S.
Identifiers: ClinVar variation 4983374 (VCV004983374.1).